The following is an entry in ClinVar:

ClinVar aggregate classification (germline): Pathogenic (1 of 4 stars; one submission).

Submission:

Labcorp Genetics (formerly Invitae), Labcorp
Classification: Pathogenic. Last evaluated: 2024-12-14. Review status: criteria provided, single submitter. Criteria: Invitae Variant Classification Sherloc (09022015). Collection method: clinical testing. Allele origin: germline.
Comment: This sequence change creates a premature translational stop signal (p.Ala396Glnfs*18) in the MSH3 gene. It is expected to result in an absent or disrupted protein product. Loss-of-function variants in MSH3 are known to be pathogenic (PMID: 27476653, 37402566). This variant is not present in population databases (gnomAD no frequency). This variant has not been reported in the literature in individuals affected with MSH3-related conditions. For these reasons, this variant has been classified as Pathogenic.

Literature cited by the submitters: PubMed 27476653; PubMed 37402566.

NM_002439.5(MSH3):c.1185_1188del (p.Ala396fs)

Gene: MSH3 (mutS homolog 3; plus strand). Cytogenetic location: 5q14.1.
Variant type: Deletion.
Coding change: c.1185_1188del on transcript NM_002439.5 (MANE Select); coding-DNA positions 1185 to 1188, 4 bases deleted (TGCC; older notation c.1185_1188delTGCC).
Protein change: p.Ala396fs; shifts the reading frame from alanine 396.
Molecular consequence: frameshift variant.
Genome position (GRCh38, 1-based): chr5:80,678,938-80,678,941, TGCC deleted; deleting any 4 consecutive bases within chr5:80,678,935-80,678,941 gives the same sequence; the c. name uses the placement nearest the transcript's 3' end. VCF-style (leftmost placement, unchanged base first): chr5-80678934-AGCCT-A. GRCh37 (hg19) VCF-style: chr5-79974753-AGCCT-A.
Other names: short protein forms A396fs.
Identifiers: ClinVar variation 3727264 (VCV003727264.2).